The following is an entry in ClinVar:

ClinVar aggregate classification (germline): Uncertain significance (1 of 4 stars; one submission).

Conditions:
Adenylosuccinate lyase deficiency (ADSLD). Also called: ADSL DEFICIENCY. Identifiers: Orphanet 46, MedGen C0268126, MONDO:0007068, OMIM 103050.

Submission:

Labcorp Genetics (formerly Invitae), Labcorp
Classification: Uncertain significance for Adenylosuccinate lyase deficiency. Last evaluated: 2021-11-03. Review status: criteria provided, single submitter. Criteria: Invitae Variant Classification Sherloc (09022015). Collection method: clinical testing. Allele origin: germline.
Comment: In summary, the available evidence is currently insufficient to determine the role of this variant in disease. Therefore, it has been classified as a Variant of Uncertain Significance. Experimental studies and prediction algorithms are not available or were not evaluated, and the functional significance of this variant is currently unknown. This variant has not been reported in the literature in individuals affected with ADSL-related conditions. This variant is not present in population databases (gnomAD no frequency). This variant occurs in a non-coding region of the ADSL gene. It does not change the encoded amino acid sequence of the ADSL protein.

NC_000022.11:g.40345999G>C

Gene: ADSL (adenylosuccinate lyase; plus strand). Cytogenetic location: 22q13.1.
Variant type: single nucleotide variant.
Genome position: GRCh38 VCF-style: chr22-40345999-G-C. GRCh37 (hg19) VCF-style: chr22-40742003-G-C.
Identifiers: ClinVar variation 1501321 (VCV001501321.6), dbSNP rs2146609261, ClinGen allele CA2573158342.